The following is an entry in ClinVar:

NM_002691.4(POLD1):c.2155-1G>C

Gene: POLD1 (DNA polymerase delta 1, catalytic subunit; plus strand). Cytogenetic location: 19q13.33.
Variant type: single nucleotide variant.
Coding change: c.2155-1G>C on transcript NM_002691.4 (MANE Select); the canonical splice acceptor site of the intron before coding-DNA position 2155, G replaced by C.
Molecular consequence: splice acceptor variant.
Genome position (GRCh38, 1-based): chr19:50,413,425, G>C. VCF-style: chr19-50413425-G-C. GRCh37 (hg19) VCF-style: chr19-50916682-G-C.
Other names: c.2155-1G>C (NM_001256849.1, NM_001438212.1, NM_001438213.1); c.2083-1G>C (NM_001438210.1, NM_001438211.1); c.2233-1G>C (NM_001308632.1).
Identifiers: ClinVar variation 4825892 (VCV004825892.1).

ClinVar aggregate classification (germline): Uncertain significance (1 of 4 stars; one submission).

Conditions:
Hereditary cancer-predisposing syndrome. Also called: Neoplastic Syndromes, Hereditary; Tumor predisposition; Hereditary Cancer Syndrome; Hereditary neoplastic syndrome. Identifiers: Orphanet 140162, MedGen C0027672, MeSH D009386, MONDO:0015356.

Submission:

Ambry Genetics
Classification: Uncertain significance for Hereditary cancer-predisposing syndrome. Last evaluated: 2026-03-12. Review status: criteria provided, single submitter. Criteria: Ambry Variant Classification Scheme 2023. Collection method: clinical testing. Allele origin: germline.
Comment: The c.2155-1G>C intronic variant results from a G to C substitution one nucleotide upstream from coding exon 17 of the POLD1 gene. This nucleotide position is highly conserved in available vertebrate species. In silico splice site analysis predicts that this alteration will weaken the native splice acceptor site and will result in the creation or strengthening of a novel splice acceptor site. Variants that disrupt the canonical splice site are expected to cause aberrant splicing, resulting in an abnormal protein or a transcript that is subject to nonsense-mediated mRNA decay. However, loss of function has not been established as a mechanism of disease. Based on the available evidence, the clinical significance of this variant remains unclear.